The following is an entry in ClinVar:

ClinVar aggregate classification (germline): Uncertain significance (1 of 4 stars; one submission).

Conditions:
Autoimmune enteropathy and endocrinopathy - susceptibility to chronic infections syndrome. Also called: Immunodeficiency 31C; Immunodeficiency 31C, autosomal dominant. Identifiers: Orphanet 391487, MedGen C3279990, MONDO:0013599, OMIM 614162.

Submission:

Neuberg Centre For Genomic Medicine, NCGM
Classification: Uncertain significance for Autoimmune enteropathy and endocrinopathy - susceptibility to chronic infections syndrome. Review status: criteria provided, single submitter. Criteria: ACMG Guidelines, 2015. Collection method: clinical testing. Allele origin: germline. Inheritance: Autosomal dominant inheritance. Affected: yes.
Comment: The missense variant c.500A>C (p.Gln167Pro) in STAT1 gene has not been reported previously as a pathogenic variant nor as a benign variant, to our knowledge. The p.Gln167Pro variant is novel (not in any individuals) in gnomAD Exomes and 1000 Genomes. The amino acid Gln at position 167 is changed to a Pro changing protein sequence and it might alter its composition and physico-chemical properties. The variant is predicted to be damaging by both SIFT and PolyPhen2. The residue is conserved across species. The amino acid change p.Gln167Pro in STAT1 is predicted as conserved by GERP++ and PhyloP across 100 vertebrates. For these reasons, this variant has been classified as Variant of Uncertain Significance (VUS).

NM_007315.4(STAT1):c.500A>C (p.Gln167Pro)

Gene: STAT1 (signal transducer and activator of transcription 1; minus strand). Cytogenetic location: 2q32.2.
Variant type: single nucleotide variant.
Coding change: c.500A>C on transcript NM_007315.4 (MANE Select); coding-DNA position 500, A replaced by C.
Protein change: p.Gln167Pro; replaces glutamine 167 with proline.
Molecular consequence: missense variant.
Genome position (GRCh38, 1-based): chr2:190,999,667, T>G on the plus strand (A>C on the coding strand, the complement: STAT1 is on the minus strand). VCF-style: chr2-190999667-T-G. GRCh37 (hg19) VCF-style: chr2-191864393-T-G.
Other names: c.500A>C, p.Gln167Pro (NM_001384880.1, NM_001384882.1, NM_001384885.1 and 5 more transcripts); c.506A>C, p.Gln169Pro (NM_001384881.1, NM_001384884.1); c.493A>C, p.Lys165Gln (NM_001384883.1); c.410A>C, p.Gln137Pro (NM_001384890.1); c.536A>C, p.Gln179Pro (NM_001384891.1); short protein forms Q179P, Q137P, K165Q, Q167P, Q169P.
Identifiers: ClinVar variation 2585305 (VCV002585305.1), dbSNP rs2470526576, ClinGen allele CA349924430.